The following is an entry in ClinVar:

NM_002524.5(NRAS):c.291-8G>A

Gene: NRAS (NRAS proto-oncogene, GTPase; minus strand). Cytogenetic location: 1p13.2.
Variant type: single nucleotide variant.
Coding change: c.291-8G>A on transcript NM_002524.5 (MANE Select); 8 bases into the intron before coding-DNA position 291, G replaced by A.
Molecular consequence: intron variant.
Genome position (GRCh38, 1-based): chr1:114,709,736, C>T on the plus strand (G>A on the coding strand, the complement: NRAS is on the minus strand). VCF-style: chr1-114709736-C-T. GRCh37 (hg19) VCF-style: chr1-115252357-C-T.
Identifiers: ClinVar variation 44575 (VCV000044575.22), dbSNP rs376187980, ClinGen allele CA134568.

ClinVar aggregate classification (germline): Likely benign. Review status: reviewed by expert panel (3 of 4 stars). 7 submissions from 7 submitters: Likely benign (1). 6 of the submissions do not count toward it. Last evaluated 2024-12-03.

Conditions:
RASopathy. Also called: rasopathies; Noonan spectrum disorder. Identifiers: Orphanet 536391, MedGen C5555857, MONDO:0021060.

Allele frequency attached by ClinVar (database versions not stated): gnomAD 0.00004; ExAC 0.00006; gnomAD exomes 0.00007 and 0.00011; TOPMed 0.00009; ESP Exome Variant Server 0.00015.

Submissions (7):

ClinGen RASopathy Variant Curation Expert Panel
Classification: Likely benign for RASopathy. Last evaluated: 2024-12-03. Review status: reviewed by expert panel. Criteria: ClinGen RASopathy ACMG Specifications NRAS V2.3.0. Collection method: curation. Allele origin: germline. Inheritance: Autosomal dominant inheritance.
Comment: The NM_002524.5:c.291-8G>A variant is an intronic variant that is not predicted by SpliceAI to impact splicing. In addition, it occurs at a nucleotide that is not conserved as shown by UCSC Genome Browser (BP4, BP7). The highest population minor allele frequency in gnomAD v2.1.1 is 0.00008518 (11/129138 alleles) in the European (non-Finnish) population (PM2_Supporting, BS1, and BA1 are not met). In summary, this variant meets the criteria to be classified as likely benign for autosomal dominant RASopathy based on the ACMG/AMP criteria applied, as specified by the ClinGen RASopathy VCEP: BP4, BP7. (ClinGen RASopathy VCEP specifications version 2.3; 12/3/2024)

Labcorp Genetics (formerly Invitae), Labcorp
Classification: Likely benign for RASopathy. Last evaluated: 2026-01-08. Review status: criteria provided, single submitter. Criteria: Invitae Variant Classification Sherloc (09022015). Collection method: clinical testing. Allele origin: germline. Not counted in ClinVar's aggregate classification.

Blueprint Genetics
Classification: Likely benign. Last evaluated: 2024-05-24. Review status: criteria provided, single submitter. Criteria: ACMG Guidelines, 2015. Collection method: clinical testing. Allele origin: germline. Not counted in ClinVar's aggregate classification.

ARUP Laboratories, Molecular Genetics and Genomics, ARUP Laboratories
Classification: Likely benign. Last evaluated: 2023-01-03. Review status: criteria provided, single submitter. Criteria: ARUP Molecular Germline Variant Investigation Process 2024. Collection method: clinical testing. Allele origin: germline. Not counted in ClinVar's aggregate classification.

GeneDx
Classification: Likely benign. Last evaluated: 2021-10-22. Review status: criteria provided, single submitter. Criteria: GeneDx Variant Classification Process June 2021. Collection method: clinical testing. Allele origin: germline. Affected: yes. Not counted in ClinVar's aggregate classification.

Women's Health and Genetics/Laboratory Corporation of America, LabCorp
Classification: Benign. Last evaluated: 2020-09-08. Review status: criteria provided, single submitter. Criteria: LabCorp Variant Classification Summary - May 2015. Collection method: clinical testing. Allele origin: germline. Not counted in ClinVar's aggregate classification.
Comment: Variant summary: NRAS c.291-8G>A alters a non-conserved nucleotide located close to a canonical splice site and therefore could affect mRNA splicing, leading to a significantly altered protein sequence. 4/4 computational tools predict no significant impact on normal splicing. However, these predictions have yet to be confirmed by functional studies. The variant allele was found at a frequency of 6.8e-05 in 251396 control chromosomes. The observed variant frequency is approximately 27- fold the estimated maximal expected allele frequency for a pathogenic variant in NRAS causing Noonan Syndrome phenotype (2.5e-06), strongly suggesting that the variant is benign. To our knowledge, no occurrence of c.291-8G>A in individuals affected with Noonan Syndrome and no experimental evidence demonstrating its impact on protein function have been reported. One clinical diagnostic laboratory has submitted clinical-significance assessments for this variant to ClinVar after 2014 without evidence for independent evaluation, citing the variant as likely benign. Based on the evidence outlined above, the variant was classified as benign.

Laboratory for Molecular Medicine, Mass General Brigham Personalized Medicine
Classification: Uncertain significance. Last evaluated: 2014-05-27. Review status: criteria provided, single submitter. Criteria: LMM Criteria. Collection method: clinical testing. Allele origin: germline. Observed: 3 variant alleles. Not counted in ClinVar's aggregate classification.
Comment: Variant classified as Uncertain Significance - Favor Benign. The 291-8G>A varian t in NRAS has been previously identified in two individuals with clinical featur es of Noonan syndrome (LMM unpublished data). In addition, this variant has been identified in 1/8600 European American and in 1/4406 African American chromosomes by the NHLBI Exome Sequencing Project (dbSNP rs376187980). This variant is located in the 3' splice region and computational tools do not sugge st an impact to splicing; however, this information is not predictive enough to rule out pathogenicity. In summary, while the clinical significance of the 291-8 G>A variant is uncertain, these data suggest that it is more likely to be benign .

Literature cited by the submitters: PubMed 26980726 (cited by Women's Health and Genetics/Laboratory Corporation of America, LabCorp); PubMed 27121720 (cited by Women's Health and Genetics/Laboratory Corporation of America, LabCorp); PubMed 24806883 (cited by Women's Health and Genetics/Laboratory Corporation of America, LabCorp); PubMed 17671181 (cited by Women's Health and Genetics/Laboratory Corporation of America, LabCorp); PubMed 23325582 (cited by Women's Health and Genetics/Laboratory Corporation of America, LabCorp); PubMed 22220252 (cited by Women's Health and Genetics/Laboratory Corporation of America, LabCorp); PubMed 23708912 (cited by Women's Health and Genetics/Laboratory Corporation of America, LabCorp); PubMed 29692343 (cited by Women's Health and Genetics/Laboratory Corporation of America, LabCorp); PubMed 27276561 (cited by Women's Health and Genetics/Laboratory Corporation of America, LabCorp); PubMed 27069254 (cited by Women's Health and Genetics/Laboratory Corporation of America, LabCorp).